The following is an entry in ClinVar:

NM_003073.5(SMARCB1):c.158G>A (p.Arg53Gln)

Gene: SMARCB1 (SWI/SNF related BAF chromatin remodeling complex subunit B1; plus strand). Cytogenetic location: 22q11.23.
Variant type: single nucleotide variant.
Coding change: c.158G>A on transcript NM_003073.5 (MANE Select); coding-DNA position 158, G replaced by A.
Protein change: p.Arg53Gln; replaces arginine 53 with glutamine.
Molecular consequence: missense variant.
Genome position (GRCh38, 1-based): chr22:23,791,820, G>A. VCF-style: chr22-23791820-G-A. GRCh37 (hg19) VCF-style: chr22-24134007-G-A.
Other names: c.158G>A, p.Arg53Gln (NM_001007468.3, NM_001317946.2, NM_001362877.2); short protein forms R53Q.
Identifiers: ClinVar variation 2184420 (VCV002184420.7), dbSNP rs779769475, ClinGen allele CA10145858.

ClinVar aggregate classification (germline): Uncertain significance. Review status: criteria provided, multiple submitters, no conflicts (2 of 4 stars). 3 submissions from 3 submitters: Uncertain significance (3). Last evaluated 2025-08-13.

Conditions:
Hereditary cancer-predisposing syndrome. Also called: Hereditary Cancer Syndrome; Neoplastic Syndromes, Hereditary; Tumor predisposition; Hereditary neoplastic syndrome. Identifiers: Orphanet 140162, MedGen C0027672, MeSH D009386, MONDO:0015356.

Allele frequency attached by ClinVar (database versions not stated): gnomAD exomes below 0.00001; ExAC 0.00001; gnomAD 0.00001; TOPMed 0.00001.
gnomAD v4.1: 6 of 1,613,602 alleles (0.00037%); highest among the groups gnomAD compares: African/African-American, 0.0027%; no homozygotes.

Submissions (3):

Labcorp Genetics (formerly Invitae), Labcorp
Classification: Uncertain significance. Last evaluated: 2025-08-13. Review status: criteria provided, single submitter. Criteria: Invitae Variant Classification Sherloc (09022015). Collection method: clinical testing. Allele origin: germline.
Comment: This sequence change replaces arginine, which is basic and polar, with glutamine, which is neutral and polar, at codon 53 of the SMARCB1 protein (p.Arg53Gln). This variant is present in population databases (rs779769475, gnomAD 0.008%). This variant has not been reported in the literature in individuals affected with SMARCB1-related conditions. ClinVar contains an entry for this variant (Variation ID: 2184420). An algorithm developed to predict the effect of missense changes on protein structure and function (PolyPhen-2) suggests that this variant is likely to be disruptive. In summary, the available evidence is currently insufficient to determine the role of this variant in disease. Therefore, it has been classified as a Variant of Uncertain Significance.

GeneDx
Classification: Uncertain significance. Last evaluated: 2023-10-18. Review status: criteria provided, single submitter. Criteria: GeneDx Variant Classification Process June 2021. Collection method: clinical testing. Allele origin: germline. Affected: yes.
Comment: In silico analysis supports that this missense variant has a deleterious effect on protein structure/function; Has not been previously published as pathogenic or benign to our knowledge; This variant is associated with the following publications: (PMID: 28692054, 26073604)

Ambry Genetics
Classification: Uncertain significance for Hereditary cancer-predisposing syndrome. Last evaluated: 2023-05-11. Review status: criteria provided, single submitter. Criteria: Ambry Variant Classification Scheme 2023. Collection method: clinical testing. Allele origin: germline.
Comment: The p.R53Q variant (also known as c.158G>A), located in coding exon 2 of the SMARCB1 gene, results from a G to A substitution at nucleotide position 158. The arginine at codon 53 is replaced by glutamine, an amino acid with highly similar properties. This amino acid position is well conserved in available vertebrate species. In addition, the in silico prediction for this alteration is inconclusive. Since supporting evidence is limited at this time, the clinical significance of this alteration remains unclear.